The following is an entry in ClinVar:

ClinVar aggregate classification (germline): Uncertain significance (1 of 4 stars; one submission).

Conditions:
Long QT syndrome (LQTS). Identifiers: MedGen C0023976, MeSH D008133, MONDO:0002442. Disease mechanism: loss of function. Inheritance: Various modes of inheritance.

Submission:

Labcorp Genetics (formerly Invitae), Labcorp
Classification: Uncertain significance for Long QT syndrome. Last evaluated: 2022-10-13. Review status: criteria provided, single submitter. Criteria: Invitae Variant Classification Sherloc (09022015). Collection method: clinical testing. Allele origin: germline.
Comment: In summary, the available evidence is currently insufficient to determine the role of this variant in disease. Therefore, it has been classified as a Variant of Uncertain Significance. Algorithms developed to predict the effect of missense changes on protein structure and function are either unavailable or do not agree on the potential impact of this missense change (SIFT: "Deleterious"; PolyPhen-2: "Benign"; Align-GVGD: "Class C0"). ClinVar contains an entry for this variant (Variation ID: 1489499). This variant has not been reported in the literature in individuals affected with KCNH2-related conditions. This variant is not present in population databases (gnomAD no frequency). This sequence change replaces glutamic acid, which is acidic and polar, with glycine, which is neutral and non-polar, at codon 134 of the KCNH2 protein (p.Glu134Gly).

NM_000238.4(KCNH2):c.401A>G (p.Glu134Gly)

Gene: KCNH2 (potassium voltage-gated channel subfamily H member 2; minus strand). Cytogenetic location: 7q36.1.
Variant type: single nucleotide variant.
Coding change: c.401A>G on transcript NM_000238.4 (MANE Select); coding-DNA position 401, A replaced by G.
Protein change: p.Glu134Gly; replaces glutamic acid 134 with glycine.
Molecular consequence: missense variant.
Genome position (GRCh38, 1-based): chr7:150,959,643, T>C on the plus strand (A>G on the coding strand, the complement: KCNH2 is on the minus strand). VCF-style: chr7-150959643-T-C. GRCh37 (hg19) VCF-style: chr7-150656731-T-C.
Other names: c.113A>G, p.Glu38Gly (NM_001406753.1, NM_001406756.1); c.224A>G, p.Glu75Gly (NM_001406755.1); c.101A>G, p.Glu34Gly (NM_001406757.1); c.401A>G, p.Glu134Gly (NM_172056.3); short protein forms E134G, E34G, E75G, E38G.
Identifiers: ClinVar variation 1489499 (VCV001489499.7), dbSNP rs2117011932, ClinGen allele CA369863734.